The following is an entry in ClinVar:

NM_206933.4(USH2A):c.5607_5615del (p.Arg1870_Ala1872del)

Genes: USH2A (usherin; minus strand), USH2A-AS2 (USH2A antisense RNA 2; plus strand). Cytogenetic location: 1q41.
Variant type: Deletion.
Coding change: c.5607_5615del on transcript NM_206933.4 (MANE Select); coding-DNA positions 5607 to 5615, 9 bases deleted (ACGGGGTGC; older notation c.5607_5615delACGGGGTGC).
Protein change: p.Arg1870_Ala1872del.
Molecular consequence: inframe deletion.
Genome position (GRCh38, 1-based): chr1:216,073,258-216,073,266, GCACCCCGT deleted on the plus strand (ACGGGGTGC on the coding strand, the reverse complement: USH2A is on the minus strand); deleting any 9 consecutive bases within chr1:216,073,258-216,073,267 gives the same sequence; the c. name uses the placement nearest the transcript's 3' end. VCF-style (leftmost placement, unchanged base first): chr1-216073257-AGCACCCCGT-A. GRCh37 (hg19) VCF-style: chr1-216246599-AGCACCCCGT-A.
Identifiers: ClinVar variation 4817132 (VCV004817132.1).
Genomic context (GRCh38, chr1:216,073,257, plus strand): 5'-TAGGCATCCATCCAGATTGACTCTGACAGCACCGCTGGACACAGATGCCAAGTTAACGAC[AGCACCCCGT>A]GTAAATTTAACATCCTTCATGCAACCACCGAAACCTAGCAAATAGTAAGGGATTAGTATC-3'

ClinVar aggregate classification (germline): Likely pathogenic (1 of 4 stars; one submission).

Conditions:
Usher syndrome type 2A. Also called: RETINAL DISEASE IN USHER SYNDROME TYPE IIA, MODIFIER OF; USHER SYNDROME, TYPE IIA. Identifiers: Orphanet 231178, Orphanet 886, MedGen C1848634, MONDO:0010169, OMIM 276901.

Submission:

Natera, Inc.
Classification: Likely pathogenic for Usher syndrome type 2A. Last evaluated: 2024-02-24. Review status: criteria provided, single submitter. Criteria: Natera Variant Classification Schema (03/2026). Collection method: clinical testing. Allele origin: germline.
Comment: The c.5607_5615delACGGGGTGC variant in USH2A is an in-frame deletion. This variant is rare in the general population with a frequency below the threshold expected for the associated phenotype(s). This variant has been observed in one or more individuals affected with the associated recessive disease, as either homozygous or compound heterozygous with a second variant (PMID: 28944237, 25333064). This variant results in a change to the protein length while preserving reading frame, which may disrupt normal protein structure or function. Computational prediction algorithms indicate this variant is likely to affect gene or protein function. Given the available evidence, this variant is classified as Likely Pathogenic.

Literature cited by the submitters: PubMed 28944237; PubMed 25333064.